The following is an entry in ClinVar:

ClinVar aggregate classification (germline): Likely benign. Review status: criteria provided, multiple submitters, no conflicts (2 of 4 stars). 3 submissions from 3 submitters: Likely benign (3). Last evaluated 2026-07-01.

Allele frequency attached by ClinVar (database versions not stated): gnomAD 0.00001; TOPMed 0.00002; gnomAD exomes 0.00003 and 0.00004; ExAC 0.00005.
gnomAD v4.1: 61 of 1,613,784 alleles (0.0038%); highest among the groups gnomAD compares: Admixed American, 0.005%; no homozygotes.

Submissions (3):

CeGaT Center for Human Genetics Tuebingen
Classification: Likely benign. Last evaluated: 2026-07-01. Review status: criteria provided, single submitter. Criteria: CeGaT Center For Human Genetics Tuebingen Variant Classification Criteria Version 2. Collection method: clinical testing. Allele origin: germline. Affected: yes. Observed: 1 variant allele.
Comment: SKIC3: BP4, BP7

Labcorp Genetics (formerly Invitae), Labcorp
Classification: Likely benign. Last evaluated: 2025-10-23. Review status: criteria provided, single submitter. Criteria: Invitae Variant Classification Sherloc (09022015). Collection method: clinical testing. Allele origin: germline.

Blueprint Genetics
Classification: Likely benign. Last evaluated: 2022-05-20. Review status: criteria provided, single submitter. Criteria: ACMG Guidelines, 2015. Collection method: clinical testing. Allele origin: germline.

NM_014639.4(SKIC3):c.3249G>A (p.Ser1083=)

Gene: SKIC3 (SKI3 subunit of superkiller complex; minus strand). Cytogenetic location: 5q15.
Variant type: single nucleotide variant.
Coding change: c.3249G>A on transcript NM_014639.4 (MANE Select); coding-DNA position 3249, G replaced by A.
Protein change: p.Ser1083=; no amino-acid change (serine 1083 retained).
Molecular consequence: synonymous variant.
Genome position (GRCh38, 1-based): chr5:95,502,972, C>T on the plus strand (G>A on the coding strand, the complement: SKIC3 is on the minus strand). VCF-style: chr5-95502972-C-T. GRCh37 (hg19) VCF-style: chr5-94838676-C-T.
Identifiers: ClinVar variation 1415852 (VCV001415852.8), dbSNP rs772272679, ClinGen allele CA3346790.